The following is an entry in ClinVar:

ClinVar aggregate classification (germline): Conflicting classifications of pathogenicity. Review status: criteria provided, conflicting classifications (1 of 4 stars). 8 submissions from 8 submitters: Uncertain significance (2); Likely benign (5). 1 of the submissions does not count toward it. Last evaluated 2026-03-27.

Conditions:
TTN-related disorder. Also called: TTN-related disorders; TTN-related condition; TTN-related disease.
Autosomal recessive limb-girdle muscular dystrophy type 2J (LGMDR10). Also called: Limb-girdle muscular dystrophy, type 2J; MUSCULAR DYSTROPHY, LIMB-GIRDLE, AUTOSOMAL RECESSIVE 10. Identifiers: Orphanet 140922, MedGen C1837342, MONDO:0012127, OMIM 608807.
Dilated cardiomyopathy 1G (CMD1G). Identifiers: Orphanet 154, MedGen C1858763, MONDO:0011400, OMIM 604145.
Cardiovascular phenotype. Identifiers: MedGen CN230736.

Allele frequency attached by ClinVar (database versions not stated): ExAC 0.00003; gnomAD exomes 0.00005 and 0.00009; gnomAD 0.00015 and 0.00016; TOPMed 0.00017; 1000 Genomes Project 0.00020; ESP Exome Variant Server 0.00025; 1000 Genomes Project 30x 0.00031.
gnomAD v4.1: 148 of 1,602,660 alleles (0.0092%); highest among the groups gnomAD compares: Admixed American, 0.031%; no homozygotes.

Submissions (8):

Molecular Diagnostic Laboratory for Inherited Cardiovascular Disease, Montreal Heart Institute
Classification: Likely benign. Last evaluated: 2026-03-27. Review status: criteria provided, single submitter. Criteria: ACMG Guidelines, 2015. Collection method: clinical testing. Allele origin: germline. Affected: no.
Comment: BS1;BP7

Labcorp Genetics (formerly Invitae), Labcorp
Classification: Likely benign for Dilated cardiomyopathy 1G; Autosomal recessive limb-girdle muscular dystrophy type 2J. Last evaluated: 2026-01-24. Review status: criteria provided, single submitter. Criteria: Invitae Variant Classification Sherloc (09022015). Collection method: clinical testing. Allele origin: germline.

ARUP Laboratories, Molecular Genetics and Genomics, ARUP Laboratories
Classification: Uncertain significance. Last evaluated: 2025-04-08. Review status: criteria provided, single submitter. Criteria: ARUP Molecular Germline Variant Investigation Process 2024. Collection method: clinical testing. Allele origin: germline.
Comment: The TTN c.68823C>T p.Tyr22941= variant (rs200717463), to our knowledge, is not reported in the medical literature but is reported in ClinVar (Variation ID: 229502). This variant is found in the general population with an overall allele frequency of 0.004% (13/272,236 alleles) in the Genome Aggregation Database (v2.1.1). This is a synonymous variant in a weakly conserved nucleotide, and computational analyses (Alamut Visual Plus v.1.12) predict that this variant does not alter splicing. However, because this variant occurs in the penultimate nucleotide of the exon within the minimal splice donor region, a possible impact on splicing cannot be ruled out at this time. Thus, due to limited information, the clinical significance of this variant is uncertain at this time.

Blueprint Genetics
Classification: Likely benign. Last evaluated: 2024-10-02. Review status: criteria provided, single submitter. Criteria: ACMG Guidelines, 2015. Collection method: clinical testing. Allele origin: germline.

GeneDx
Classification: Likely benign. Last evaluated: 2021-02-24. Review status: criteria provided, single submitter. Criteria: GeneDx Variant Classification Process June 2021. Collection method: clinical testing. Allele origin: germline. Affected: yes.

Ambry Genetics
Classification: Likely benign for Cardiovascular phenotype. Last evaluated: 2019-09-30. Review status: criteria provided, single submitter. Criteria: Ambry Variant Classification Scheme 2023. Collection method: clinical testing. Allele origin: germline.

Laboratory for Molecular Medicine, Mass General Brigham Personalized Medicine
Classification: Uncertain significance. Last evaluated: 2015-01-29. Review status: criteria provided, single submitter. Criteria: LMM Criteria. Collection method: clinical testing. Allele origin: germline. Observed: 1 variant allele.
Comment: Variant classified as Uncertain Significance - Favor Benign. The p.Tyr20373Tyr v ariant in TTN has not been previously reported in individuals with cardiomyopath y, but has been identified in 3/115068 chromosomes from several populations by t he Exome Aggregation Consortium (ExAC; dbSNP rs2 00717463). Although this variant does not alter an amino acid residue, this vari ant is located in the last three bases of the exon, which is part of the 5? spli ce region. Computational tools do not suggest an impact to splicing. However, th is information is not predictive enough to rule out pathogenicity. In summary, w hile the clinical significance of the p.Tyr20373Tyr variant is uncertain, the fa ct that it does not alter an amino acid residue and that it is not predicted to alter splicing suggests that it is more likely to be benign.

PreventionGenetics, part of Exact Sciences
Classification: Likely benign for TTN-related condition. Last evaluated: 2023-02-18. Review status: no assertion criteria provided. Collection method: clinical testing. Allele origin: germline. Not counted in ClinVar's aggregate classification.
Comment: This variant is classified as likely benign based on ACMG/AMP sequence variant interpretation guidelines (Richards et al. 2015 PMID: 25741868, with internal and published modifications).

NM_001267550.2(TTN):c.68823C>T (p.Tyr22941=)

Genes: TTN (titin; minus strand), TTN-AS1 (TTN antisense RNA 1; plus strand). Cytogenetic location: 2q31.2.
Variant type: single nucleotide variant.
Coding change: c.68823C>T on transcript NM_001267550.2 (MANE Select); coding-DNA position 68823, C replaced by T.
Protein change: p.Tyr22941=; no amino-acid change (tyrosine 22941 retained).
Molecular consequence: synonymous variant.
Genome position (GRCh38, 1-based): chr2:178,577,603, G>A on the plus strand (C>T on the coding strand, the complement: TTN is on the minus strand). VCF-style: chr2-178577603-G-A. GRCh37 (hg19) VCF-style: chr2-179442330-G-A.
Other names: c.41628C>T, p.Tyr13876= (NM_003319.4); c.42003C>T, p.Tyr14001= (NM_133432.3); c.42204C>T, p.Tyr14068= (NM_133437.4); c.63900C>T, p.Tyr21300= (NM_001256850.1); c.61119C>T, p.Tyr20373= (NM_133378.4).
Identifiers: ClinVar variation 229502 (VCV000229502.25), dbSNP rs200717463, ClinGen allele CA1991043.